The following is an entry in ClinVar:

ClinVar aggregate classification (germline): Likely benign. Review status: criteria provided, multiple submitters, no conflicts (2 of 4 stars). 2 submissions from 2 submitters: Likely benign (2). Last evaluated 2022-07-19.

Conditions:
Intellectual developmental disorder, autosomal dominant 1. Also called: MBD5 Haploinsufficiency; Intellectual disability, autosomal dominant 1. Identifiers: Orphanet 228402, MedGen C1969562, MONDO:0007974, OMIM 156200.

Allele frequency attached by ClinVar (database versions not stated): gnomAD exomes 0.00001 and 0.00002; ExAC 0.00002.
gnomAD v4.1: 8 of 1,613,980 alleles (0.0005%); highest among the groups gnomAD compares: South Asian, 0.0088%; no homozygotes.

Submissions (2):

Labcorp Genetics (formerly Invitae), Labcorp
Classification: Likely benign for Intellectual developmental disorder, autosomal dominant 1. Last evaluated: 2022-07-19. Review status: criteria provided, single submitter. Criteria: Invitae Variant Classification Sherloc (09022015). Collection method: clinical testing. Allele origin: germline.

GeneDx
Classification: Likely benign. Last evaluated: 2016-07-22. Review status: criteria provided, single submitter. Criteria: GeneDx Variant Classification (06012015). Collection method: clinical testing. Allele origin: germline. Affected: yes.
Comment: This variant is considered likely benign or benign based on one or more of the following criteria: it is a conservative change, it occurs at a poorly conserved position in the protein, it is predicted to be benign by multiple in silico algorithms, and/or has population frequency not consistent with disease.

NM_001378120.1(MBD5):c.1803C>T (p.Ser601=)

Gene: MBD5 (methyl-CpG binding domain protein 5; plus strand). Cytogenetic location: 2q23.1.
Variant type: single nucleotide variant.
Coding change: c.1803C>T on transcript NM_001378120.1 (MANE Select); coding-DNA position 1803, C replaced by T.
Protein change: p.Ser601=; no amino-acid change (serine 601 retained).
Molecular consequence: synonymous variant.
Genome position (GRCh38, 1-based): chr2:148,469,746, C>T. VCF-style: chr2-148469746-C-T. GRCh37 (hg19) VCF-style: chr2-149227315-C-T.
Other names: c.1803C>T, p.Ser601= (NM_018328.5).
Identifiers: ClinVar variation 388058 (VCV000388058.9), dbSNP rs772321704, ClinGen allele CA1900060.
Genomic context (GRCh38, chr2:148,469,746, plus strand): 5'-AGCAGCAGCCAAAGCACAGCTAGCAAATCAAAACAAACTTGCTGGTAACAACAGTAGCAG[C>T]AGTAGCAATTCTGGAGCTGTTGCCGGCAGTGGCAACACTGAAGGACATAGCACTTTAAAC-3'
Protein context (NP_001365049.1, residues 591-611): QNKLAGNNSS[Ser601=]SSNSGAVAGS